The following is an entry in ClinVar:

NM_001631.5(ALPI):c.870C>T (p.Pro290=)

Gene: ALPI (alkaline phosphatase, intestinal; plus strand). Cytogenetic location: 2q37.1.
Variant type: single nucleotide variant.
Coding change: c.870C>T on transcript NM_001631.5 (MANE Select); coding-DNA position 870, C replaced by T.
Protein change: p.Pro290=; no amino-acid change (proline 290 retained).
Molecular consequence: synonymous variant.
Genome position (GRCh38, 1-based): chr2:232,458,011, C>T. VCF-style: chr2-232458011-C-T. GRCh37 (hg19) VCF-style: chr2-233322721-C-T.
Other names: p.Pro290=.
Identifiers: ClinVar variation 3042796 (VCV003042796.3), dbSNP rs145002990, ClinGen allele CA2166562.

ClinVar aggregate classification (germline): Likely benign. Review status: criteria provided, single submitter (1 of 4 stars). 2 submissions from 2 submitters: Likely benign (1). 1 of the submissions does not count toward it. Last evaluated 2025-03-24.

Conditions:
ALPI-related disorder. Also called: ALPI-related condition.

Allele frequency attached by ClinVar (database versions not stated): ESP Exome Variant Server 0.00454; 1000 Genomes Project 30x 0.00265; 1000 Genomes Project 0.00240; ExAC 0.00532; TOPMed 0.00296.
gnomAD v4.1: 7,900 of 1,613,596 alleles (0.49%); highest among the groups gnomAD compares: Non-Finnish European, 0.56%; 25 homozygotes.

Submissions (2):

Mayo Clinic Laboratories, Mayo Clinic
Classification: Likely benign. Last evaluated: 2025-03-24. Review status: criteria provided, single submitter. Criteria: ACMG Guidelines, 2015. Collection method: clinical testing. Allele origin: germline. Observed: 4 variant alleles.
Comment: BS2, BP4, BP7

PreventionGenetics, part of Exact Sciences
Classification: Benign for ALPI-related condition. Last evaluated: 2019-06-21. Review status: no assertion criteria provided. Collection method: clinical testing. Allele origin: germline. Not counted in ClinVar's aggregate classification.
Comment: This variant is classified as benign based on ACMG/AMP sequence variant interpretation guidelines (Richards et al. 2015 PMID: 25741868, with internal and published modifications).